The following is an entry in ClinVar:

NM_000057.4(BLM):c.1148T>C (p.Ile383Thr)

Gene: BLM (BLM RecQ like helicase; plus strand). Cytogenetic location: 15q26.1.
Variant type: single nucleotide variant.
Coding change: c.1148T>C on transcript NM_000057.4 (MANE Select); coding-DNA position 1148, T replaced by C.
Protein change: p.Ile383Thr; replaces isoleucine 383 with threonine.
Molecular consequence: missense variant.
Genome position (GRCh38, 1-based): chr15:90,760,207, T>C. VCF-style: chr15-90760207-T-C. GRCh37 (hg19) VCF-style: chr15-91303437-T-C.
Other names: c.1148T>C, p.Ile383Thr (NM_001287246.2, NM_001287247.2); c.23T>C, p.Ile8Thr (NM_001287248.2); short protein forms I383T, I8T.
Identifiers: ClinVar variation 822258 (VCV000822258.19), dbSNP rs556577644, ClinGen allele CA7738472.
Genomic context (GRCh38, chr15:90,760,207, plus strand): 5'-CTAGACAGATAAGTTTACAGCAGCAGCTTATTCATGTGATGGAGCACATCTGTAAATTAA[T>C]TGATACTATTCCTGATGATAAACTGAAACTTTTGGATTGTGGGAACGAACTGCTTCAGCA-3'
Protein context (NP_000048.1, residues 373-393): IHVMEHICKL[Ile383Thr]DTIPDDKLKL

ClinVar aggregate classification (germline): Uncertain significance. Review status: criteria provided, multiple submitters, no conflicts (2 of 4 stars). 5 submissions from 5 submitters: Uncertain significance (4). 1 of the submissions does not count toward it. Last evaluated 2024-07-24.

Conditions:
Hereditary cancer-predisposing syndrome. Also called: Tumor predisposition; Hereditary Cancer Syndrome; Neoplastic Syndromes, Hereditary; Hereditary neoplastic syndrome. Identifiers: Orphanet 140162, MedGen C0027672, MeSH D009386, MONDO:0015356.
Bloom syndrome (BLM). Also called: Bloom-Torre-Machacek syndrome. Identifiers: Orphanet 125, MedGen C0005859, MONDO:0008876, OMIM 210900.

Allele frequency attached by ClinVar (database versions not stated): gnomAD exomes below 0.00001 and 0.00001; ExAC 0.00002; gnomAD 0.00002 and 0.00003; TOPMed 0.00002; 1000 Genomes Project 30x 0.00016; 1000 Genomes Project 0.00020.
gnomAD v4.1: 5 of 1,613,808 alleles (0.00031%); highest among the groups gnomAD compares: African/African-American, 0.004%; no homozygotes.

Submissions (5):

Labcorp Genetics (formerly Invitae), Labcorp
Classification: Uncertain significance for Bloom syndrome. Last evaluated: 2024-07-24. Review status: criteria provided, single submitter. Criteria: Invitae Variant Classification Sherloc (09022015). Collection method: clinical testing. Allele origin: germline.
Comment: This sequence change replaces isoleucine, which is neutral and non-polar, with threonine, which is neutral and polar, at codon 383 of the BLM protein (p.Ile383Thr). This variant is present in population databases (rs556577644, gnomAD 0.008%). This variant has not been reported in the literature in individuals affected with BLM-related conditions. ClinVar contains an entry for this variant (Variation ID: 822258). Advanced modeling of protein sequence and biophysical properties (such as structural, functional, and spatial information, amino acid conservation, physicochemical variation, residue mobility, and thermodynamic stability) performed at Invitae indicates that this missense variant is not expected to disrupt BLM protein function with a negative predictive value of 80%. In summary, the available evidence is currently insufficient to determine the role of this variant in disease. Therefore, it has been classified as a Variant of Uncertain Significance.

Fulgent Genetics
Classification: Uncertain significance for Bloom syndrome. Last evaluated: 2024-04-16. Review status: criteria provided, single submitter. Criteria: ACMG Guidelines, 2015. Collection method: clinical testing. Allele origin: germline.

Ambry Genetics
Classification: Uncertain significance for Hereditary cancer-predisposing syndrome. Last evaluated: 2024-02-06. Review status: criteria provided, single submitter. Criteria: Ambry Variant Classification Scheme 2023. Collection method: clinical testing. Allele origin: germline.
Comment: The p.I383T variant (also known as c.1148T>C), located in coding exon 5 of the BLM gene, results from a T to C substitution at nucleotide position 1148. The isoleucine at codon 383 is replaced by threonine, an amino acid with similar properties. This amino acid position is poorly conserved in available vertebrate species. In addition, this alteration is predicted to be tolerated by in silico analysis. Since supporting evidence is limited at this time, the clinical significance of this alteration remains unclear.

GeneDx
Classification: Uncertain significance. Last evaluated: 2019-10-04. Review status: criteria provided, single submitter. Criteria: GeneDx Variant Classification Process June 2021. Collection method: clinical testing. Allele origin: germline. Affected: yes.
Comment: In silico analysis, which includes protein predictors and evolutionary conservation, supports that this variant does not alter protein structure/function; Has not been previously published as pathogenic or benign to our knowledge

Natera, Inc.
Classification: Uncertain significance for Bloom syndrome. Last evaluated: 2018-11-02. Review status: no assertion criteria provided. Collection method: clinical testing. Allele origin: germline. Not counted in ClinVar's aggregate classification.